The following is an entry in ClinVar:

NM_005559.4(LAMA1):c.3164G>A (p.Arg1055Gln)

Gene: LAMA1 (laminin subunit alpha 1; minus strand). Cytogenetic location: 18p11.31.
Variant type: single nucleotide variant.
Coding change: c.3164G>A on transcript NM_005559.4 (MANE Select); coding-DNA position 3164, G replaced by A.
Protein change: p.Arg1055Gln; replaces arginine 1055 with glutamine.
Molecular consequence: missense variant.
Genome position (GRCh38, 1-based): chr18:7,014,014, C>T on the plus strand (G>A on the coding strand, the complement: LAMA1 is on the minus strand). VCF-style: chr18-7014014-C-T. GRCh37 (hg19) VCF-style: chr18-7014013-C-T.
Other names: short protein forms R1055Q.
Identifiers: ClinVar variation 735545 (VCV000735545.13), dbSNP rs150940045, ClinGen allele CA8882368.
Genomic context (GRCh38, chr18:7,014,014, plus strand): 5'-TCGCAGGCCCGGCCACCAAATTTTGACTTGCACTGGCAATGGCCGGTGACCACATCGCAC[C>T]GATGATGAGTCGACCCCACGAGACTGCAATTGCAGGCCTGAGAGAAGGGAAAACCAACTC-3'
Protein context (NP_005550.2, residues 1045-1065): NCSLVGSTHH[Arg1055Gln]CDVVTGHCQC

ClinVar aggregate classification (germline): Conflicting classifications of pathogenicity. Review status: criteria provided, conflicting classifications (1 of 4 stars). 4 submissions from 4 submitters: Uncertain significance (1); Benign (1); Likely benign (2). Last evaluated 2026-01-27.

Allele frequency attached by ClinVar (database versions not stated): gnomAD exomes 0.00013 and 0.00023; ExAC 0.00022; 1000 Genomes Project 30x 0.00062; 1000 Genomes Project 0.00080; TOPMed 0.00117; ESP Exome Variant Server 0.00092; gnomAD 0.00103 and 0.00114.
gnomAD v4.1: 353 of 1,613,946 alleles (0.022%); highest among the groups gnomAD compares: African/African-American, 0.38%; no homozygotes.

Submissions (4):

Labcorp Genetics (formerly Invitae), Labcorp
Classification: Likely benign. Last evaluated: 2026-01-27. Review status: criteria provided, single submitter. Criteria: Invitae Variant Classification Sherloc (09022015). Collection method: clinical testing. Allele origin: germline.

Blueprint Genetics
Classification: Benign. Last evaluated: 2024-07-30. Review status: criteria provided, single submitter. Criteria: ACMG Guidelines, 2015. Collection method: clinical testing. Allele origin: germline.

Women's Health and Genetics/Laboratory Corporation of America, LabCorp
Classification: Uncertain significance. Last evaluated: 2023-11-03. Review status: criteria provided, single submitter. Criteria: LabCorp Variant Classification Summary - May 2015. Collection method: clinical testing. Allele origin: germline.
Comment: Variant summary: LAMA1 c.3164G>A (p.Arg1055Gln) results in a conservative amino acid change in an EGF-like domain (IPR000742) of the encoded protein sequence. Five of five in-silico tools predict a benign effect of the variant on protein function. The variant allele was found at a frequency of 0.00023 in 250598 control chromosomes, predominantly at a frequency of 0.0031 within the African or African-American subpopulation in the gnomAD database. To our knowledge, no occurrence of c.3164G>A in individuals affected with Ataxia-Intellectual Disability-Oculomotor Apraxia-Cerebellar Cysts Syndrome and no experimental evidence demonstrating its impact on protein function have been reported. One submitter has cited a clinical-significance assessment for this variant to ClinVar after 2014 and has classified the variant as likely benign. Based on the evidence outlined above, the variant was classified as uncertain significance.

Breakthrough Genomics
Classification: Likely benign. Review status: criteria provided, single submitter. Criteria: ACMG Guidelines, 2015. Collection method: not provided. Allele origin: germline. Inheritance: Autosomal recessive inheritance. Affected: yes.